The following is an entry in ClinVar:

NM_021072.4(HCN1):c.2122G>A (p.Val708Ile)

Gene: HCN1 (hyperpolarization activated cyclic nucleotide gated potassium channel 1; minus strand). Cytogenetic location: 5p12.
Variant type: single nucleotide variant.
Coding change: c.2122G>A on transcript NM_021072.4 (MANE Select); coding-DNA position 2122, G replaced by A.
Protein change: p.Val708Ile; replaces valine 708 with isoleucine.
Molecular consequence: missense variant.
Genome position (GRCh38, 1-based): chr5:45,262,472, C>T on the plus strand (G>A on the coding strand, the complement: HCN1 is on the minus strand). VCF-style: chr5-45262472-C-T. GRCh37 (hg19) VCF-style: chr5-45262574-C-T.
Other names: c.2122G>A (NM_021072.3); short protein forms V708I.
Identifiers: ClinVar variation 2832685 (VCV002832685.4), dbSNP rs1406904527, ClinGen allele CA359704010.

ClinVar aggregate classification (germline): Uncertain significance. Review status: criteria provided, multiple submitters, no conflicts (2 of 4 stars). 2 submissions from 2 submitters: Uncertain significance (2). Last evaluated 2025-11-19.

Conditions:
Inborn genetic diseases. Identifiers: MedGen C0950123, MeSH D030342.
Early-infantile DEE. Also called: Early infantile epileptic encephalopathy; Early infantile epileptic encephalopathy with suppression bursts; Ohtahara syndrome. Identifiers: Orphanet 1934, MedGen C0393706, MONDO:0800491.

Allele frequency attached by ClinVar (database versions not stated): gnomAD exomes below 0.00001.
gnomAD v4.1: 2 of 1,612,842 alleles (0.00012%); highest among the groups gnomAD compares: South Asian, 0.0022%; no homozygotes.

Submissions (2):

Ambry Genetics
Classification: Uncertain significance for Inborn genetic diseases. Last evaluated: 2025-11-19. Review status: criteria provided, single submitter. Criteria: Ambry Variant Classification Scheme 2023. Collection method: clinical testing. Allele origin: germline.

Labcorp Genetics (formerly Invitae), Labcorp
Classification: Uncertain significance for Early-infantile DEE. Last evaluated: 2023-01-28. Review status: criteria provided, single submitter. Criteria: Invitae Variant Classification Sherloc (09022015). Collection method: clinical testing. Allele origin: germline.
Comment: This variant has not been reported in the literature in individuals affected with HCN1-related conditions. This sequence change replaces valine, which is neutral and non-polar, with isoleucine, which is neutral and non-polar, at codon 708 of the HCN1 protein (p.Val708Ile). The frequency data for this variant in the population databases is considered unreliable, as metrics indicate poor data quality at this position in the gnomAD database. Advanced modeling of protein sequence and biophysical properties (such as structural, functional, and spatial information, amino acid conservation, physicochemical variation, residue mobility, and thermodynamic stability) performed at Invitae indicates that this missense variant is not expected to disrupt HCN1 protein function. In summary, the available evidence is currently insufficient to determine the role of this variant in disease. Therefore, it has been classified as a Variant of Uncertain Significance.